The following is an entry in ClinVar:

NM_001165963.4(SCN1A):c.882G>T (p.Lys294Asn)

Gene: SCN1A (sodium voltage-gated channel alpha subunit 1; minus strand). Cytogenetic location: 2q24.3.
Variant type: single nucleotide variant.
Coding change: c.882G>T on transcript NM_001165963.4 (MANE Select); coding-DNA position 882, G replaced by T.
Protein change: p.Lys294Asn; replaces lysine 294 with asparagine.
Molecular consequence: missense variant. On other transcripts: 5 prime UTR variant (1), non-coding transcript variant (1).
Genome position (GRCh38, 1-based): chr2:166,051,801, C>A on the plus strand (G>T on the coding strand, the complement: SCN1A is on the minus strand). VCF-style: chr2-166051801-C-A. GRCh37 (hg19) VCF-style: chr2-166908311-C-A.
Other names: c.882G>T, p.Lys294Asn (NM_001165964.3, NM_001202435.3, NM_001353948.2 and 10 more transcripts); c.-1544G>T (NM_001353961.2); short protein forms K294N.
Identifiers: ClinVar variation 1061555 (VCV001061555.10), dbSNP rs2105889139, ClinGen allele CA349072774.

ClinVar aggregate classification (germline): Uncertain significance (1 of 4 stars; one submission).

Conditions:
Early-infantile DEE. Also called: Ohtahara syndrome; Early infantile epileptic encephalopathy with suppression bursts; Early infantile epileptic encephalopathy. Identifiers: Orphanet 1934, MedGen C0393706, MONDO:0800491.

Submission:

Labcorp Genetics (formerly Invitae), Labcorp
Classification: Uncertain significance for Early-infantile DEE. Last evaluated: 2020-05-21. Review status: criteria provided, single submitter. Criteria: Invitae Variant Classification Sherloc (09022015). Collection method: clinical testing. Allele origin: germline.
Comment: This sequence change replaces lysine with asparagine at codon 294 of the SCN1A protein (p.Lys294Asn). The lysine residue is highly conserved and there is a moderate physicochemical difference between lysine and asparagine. This variant is not present in population databases (ExAC no frequency). This variant has not been reported in the literature in individuals with SCN1A-related conditions. Algorithms developed to predict the effect of missense changes on protein structure and function are either unavailable or do not agree on the potential impact of this missense change (SIFT: "Deleterious"; PolyPhen-2: "Benign"; Align-GVGD: "Class C65"). In summary, the available evidence is currently insufficient to determine the role of this variant in disease. Therefore, it has been classified as a Variant of Uncertain Significance.